The following is an entry in ClinVar:

ClinVar aggregate classification (germline): Uncertain significance (1 of 4 stars; one submission).

Allele frequency attached by ClinVar (database versions not stated): ExAC 0.00002; gnomAD 0.00002; gnomAD exomes 0.00003; TOPMed 0.00004.
gnomAD v4.1: 44 of 1,613,674 alleles (0.0027%); highest among the groups gnomAD compares: East Asian, 0.0045%; no homozygotes.

Submission:

Labcorp Genetics (formerly Invitae), Labcorp
Classification: Uncertain significance. Last evaluated: 2022-06-02. Review status: criteria provided, single submitter. Criteria: Invitae Variant Classification Sherloc (09022015). Collection method: clinical testing. Allele origin: germline.
Comment: This sequence change replaces arginine, which is basic and polar, with glutamine, which is neutral and polar, at codon 781 of the KIAA0753 protein (p.Arg781Gln). This variant is present in population databases (rs780549298, gnomAD 0.006%). This variant has not been reported in the literature in individuals affected with KIAA0753-related conditions. Algorithms developed to predict the effect of missense changes on protein structure and function (SIFT, PolyPhen-2, Align-GVGD) all suggest that this variant is likely to be disruptive. In summary, the available evidence is currently insufficient to determine the role of this variant in disease. Therefore, it has been classified as a Variant of Uncertain Significance.

NM_014804.3(KIAA0753):c.2342G>A (p.Arg781Gln)

Gene: KIAA0753 (KIAA0753; minus strand). Cytogenetic location: 17p13.1.
Variant type: single nucleotide variant.
Coding change: c.2342G>A on transcript NM_014804.3 (MANE Select); coding-DNA position 2342, G replaced by A.
Protein change: p.Arg781Gln; replaces arginine 781 with glutamine.
Molecular consequence: missense variant. On other transcripts: non-coding transcript variant (3).
Genome position (GRCh38, 1-based): chr17:6,596,174, C>T on the plus strand (G>A on the coding strand, the complement: KIAA0753 is on the minus strand). VCF-style: chr17-6596174-C-T. GRCh37 (hg19) VCF-style: chr17-6499494-C-T.
Other names: c.1445G>A, p.Arg482Gln (NM_001351225.2); short protein forms R482Q, R781Q.
Identifiers: ClinVar variation 2180691 (VCV002180691.1), dbSNP rs780549298, ClinGen allele CA8330189.